The following is an entry in ClinVar:

ClinVar aggregate classification (germline): Conflicting classifications of pathogenicity. Review status: criteria provided, conflicting classifications (1 of 4 stars). 3 submissions from 3 submitters: Uncertain significance (1); Likely benign (1). 1 of the submissions does not count toward it. Last evaluated 2026-03-10.

Conditions:
WFS1-related disorder. Identifiers: MedGen CN379391, MONDO:0700293.

Allele frequency attached by ClinVar (database versions not stated): ExAC 0.00003; gnomAD 0.00005; TOPMed 0.00005; 1000 Genomes Project 0.00020; 1000 Genomes Project 30x 0.00031.
gnomAD v4.1: 55 of 1,612,284 alleles (0.0034%); highest among the groups gnomAD compares: South Asian, 0.014%; no homozygotes.

Submissions (3):

Women's Health and Genetics/Laboratory Corporation of America, LabCorp
Classification: Uncertain significance. Last evaluated: 2026-03-10. Review status: criteria provided, single submitter. Criteria: LabCorp Variant Classification Summary - May 2015. Collection method: clinical testing. Allele origin: germline.
Comment: Variant summary: WFS1 c.*9C>T is located in the untranslated mRNA region downstream of the termination codon. The variant allele was found at a frequency of 4.1e-05 in 246262 control chromosomes. This frequency is not significantly higher than estimated for disease-causing variants in WFS1, allowing no conclusion about variant significance. To our knowledge, no occurrence of c.*9C>T in individuals affected with WFS1-related conditions and no experimental evidence demonstrating its impact on protein function have been reported. ClinVar contains an entry for this variant (Variation ID: 3042722). Based on the evidence outlined above, the variant was classified as uncertain significance.

Blueprint Genetics
Classification: Likely benign. Last evaluated: 2023-10-23. Review status: criteria provided, single submitter. Criteria: ACMG Guidelines, 2015. Collection method: clinical testing. Allele origin: germline.

PreventionGenetics, part of Exact Sciences
Classification: Likely benign for WFS1-related condition. Last evaluated: 2019-07-01. Review status: no assertion criteria provided. Collection method: clinical testing. Allele origin: germline. Not counted in ClinVar's aggregate classification.
Comment: This variant is classified as likely benign based on ACMG/AMP sequence variant interpretation guidelines (Richards et al. 2015 PMID: 25741868, with internal and published modifications).

NM_006005.3(WFS1):c.*9C>T

Gene: WFS1 (wolframin ER transmembrane glycoprotein; plus strand). Cytogenetic location: 4p16.1.
Variant type: single nucleotide variant.
Coding change: c.*9C>T on transcript NM_006005.3 (MANE Select); 9 bases downstream of the stop codon, C replaced by T.
Molecular consequence: 3 prime UTR variant.
Genome position (GRCh38, 1-based): chr4:6,302,477, C>T. VCF-style: chr4-6302477-C-T. GRCh37 (hg19) VCF-style: chr4-6304204-C-T.
Other names: c.*9C>T (NM_001145853.1).
Identifiers: ClinVar variation 3042722 (VCV003042722.4), dbSNP rs71537669, ClinGen allele CA2839834.